The following is an entry in ClinVar:

ClinVar aggregate classification (germline): Uncertain significance (1 of 4 stars; one submission).

gnomAD v4.1: 27 of 1,613,990 alleles (0.0017%); highest among the groups gnomAD compares: South Asian, 0.0055%; no homozygotes.

Submission:

Labcorp Genetics (formerly Invitae), Labcorp
Classification: Uncertain significance. Last evaluated: 2024-11-07. Review status: criteria provided, single submitter. Criteria: Invitae Variant Classification Sherloc (09022015). Collection method: clinical testing. Allele origin: germline.
Comment: This sequence change replaces arginine, which is basic and polar, with leucine, which is neutral and non-polar, at codon 61 of the FLNB protein (p.Arg61Leu). This variant is present in population databases (rs770724869, gnomAD 0.003%). This variant has not been reported in the literature in individuals affected with FLNB-related conditions. Invitae Evidence Modeling of protein sequence and biophysical properties (such as structural, functional, and spatial information, amino acid conservation, physicochemical variation, residue mobility, and thermodynamic stability) indicates that this missense variant is not expected to disrupt FLNB protein function with a negative predictive value of 95%. In summary, the available evidence is currently insufficient to determine the role of this variant in disease. Therefore, it has been classified as a Variant of Uncertain Significance.

NM_001457.4(FLNB):c.182G>T (p.Arg61Leu)

Gene: FLNB (filamin B; plus strand). Cytogenetic location: 3p14.3.
Variant type: single nucleotide variant.
Coding change: c.182G>T on transcript NM_001457.4 (MANE Select); coding-DNA position 182, G replaced by T.
Protein change: p.Arg61Leu; replaces arginine 61 with leucine.
Molecular consequence: missense variant.
Genome position (GRCh38, 1-based): chr3:58,008,746, G>T. VCF-style: chr3-58008746-G-T. GRCh37 (hg19) VCF-style: chr3-57994473-G-T.
Other names: c.182G>T, p.Arg61Leu (NM_001164317.2, NM_001164318.2, NM_001164319.2); short protein forms R61L.
Identifiers: ClinVar variation 3624635 (VCV003624635.2).